The following is an entry in ClinVar:

ClinVar aggregate classification (germline): Uncertain significance (1 of 4 stars; one submission).

Conditions:
Neurodevelopmental disorder with hypotonia, stereotypic hand movements, and impaired language. Also called: Intellectual disability, autosomal dominant 20. Identifiers: Orphanet 228384, Orphanet 664410, MedGen C3150700, MONDO:0013266, OMIM 613443.

Submission:

Labcorp Genetics (formerly Invitae), Labcorp
Classification: Uncertain significance for Neurodevelopmental disorder with hypotonia, stereotypic hand movements, and impaired language. Last evaluated: 2022-09-07. Review status: criteria provided, single submitter. Criteria: Invitae Variant Classification Sherloc (09022015). Collection method: clinical testing. Allele origin: germline.
Comment: In summary, the available evidence is currently insufficient to determine the role of this variant in disease. Therefore, it has been classified as a Variant of Uncertain Significance. Algorithms developed to predict the effect of missense changes on protein structure and function are either unavailable or do not agree on the potential impact of this missense change (SIFT: "Deleterious"; PolyPhen-2: "Benign"; Align-GVGD: "Class C35"). This variant has not been reported in the literature in individuals affected with MEF2C-related conditions. This variant is not present in population databases (gnomAD no frequency). This sequence change replaces serine, which is neutral and polar, with leucine, which is neutral and non-polar, at codon 346 of the MEF2C protein (p.Ser346Leu).

NM_002397.5(MEF2C):c.1037C>T (p.Ser346Leu)

Gene: MEF2C (myocyte enhancer factor 2C; minus strand). Cytogenetic location: 5q14.3.
Variant type: single nucleotide variant.
Coding change: c.1037C>T on transcript NM_002397.5 (MANE Select); coding-DNA position 1037, C replaced by T.
Protein change: p.Ser346Leu; replaces serine 346 with leucine.
Molecular consequence: missense variant.
Genome position (GRCh38, 1-based): chr5:88,728,556, G>A on the plus strand (C>T on the coding strand, the complement: MEF2C is on the minus strand). VCF-style: chr5-88728556-G-A. GRCh37 (hg19) VCF-style: chr5-88024373-G-A.
Other names: c.1037C>T, p.Ser346Leu (NM_001364335.2, NM_001364336.2, NM_001364337.2 and 9 more transcripts); c.1067C>T, p.Ser356Leu (NM_001364338.2, NM_001193347.1); c.869C>T, p.Ser290Leu (NM_001193348.1); c.893C>T, p.Ser298Leu (NM_001193349.3, NM_001364332.2, NM_001364344.2 and 2 more transcripts); c.1013C>T, p.Ser338Leu (NM_001308002.3, NM_001364333.2, NM_001364339.2 and 6 more transcripts); c.1007C>T, p.Ser336Leu (NM_001131005.2, NM_001364343.2, NM_001364352.2); c.659C>T, p.Ser220Leu (NM_001364353.2, NM_001364356.2); c.587C>T, p.Ser196Leu (NM_001364357.2); short protein forms S298L, S338L, S220L, S336L, S346L, S356L, S196L, S290L.
Identifiers: ClinVar variation 2116893 (VCV002116893.4), dbSNP rs748980354, ClinGen allele CA360422626.